The following is an entry in ClinVar:

NM_031935.3(HMCN1):c.1297G>A (p.Val433Ile)

Gene: HMCN1 (hemicentin 1; plus strand). Cytogenetic location: 1q31.1.
Variant type: single nucleotide variant.
Coding change: c.1297G>A on transcript NM_031935.3 (MANE Select); coding-DNA position 1297, G replaced by A.
Protein change: p.Val433Ile; replaces valine 433 with isoleucine.
Molecular consequence: missense variant.
Genome position (GRCh38, 1-based): chr1:185,925,058, G>A. VCF-style: chr1-185925058-G-A. GRCh37 (hg19) VCF-style: chr1-185894190-G-A.
Other names: short protein forms V433I.
Identifiers: ClinVar variation 1422335 (VCV001422335.6), dbSNP rs1381049052, ClinGen allele CA343894829.

ClinVar aggregate classification (germline): Uncertain significance (1 of 4 stars; one submission).

Allele frequency attached by ClinVar (database versions not stated): gnomAD exomes below 0.00001.
gnomAD v4.1: 3 of 1,612,196 alleles (0.00019%); highest among the groups gnomAD compares: Admixed American, 0.0017%; no homozygotes.

Submission:

Labcorp Genetics (formerly Invitae), Labcorp
Classification: Uncertain significance. Last evaluated: 2024-11-05. Review status: criteria provided, single submitter. Criteria: Invitae Variant Classification Sherloc (09022015). Collection method: clinical testing. Allele origin: germline.
Comment: This sequence change replaces valine, which is neutral and non-polar, with isoleucine, which is neutral and non-polar, at codon 433 of the HMCN1 protein (p.Val433Ile). The frequency data for this variant in the population databases is considered unreliable, as metrics indicate poor data quality at this position in the gnomAD database. This variant has not been reported in the literature in individuals affected with HMCN1-related conditions. ClinVar contains an entry for this variant (Variation ID: 1422335). An algorithm developed to predict the effect of missense changes on protein structure and function (PolyPhen-2) suggests that this variant is likely to be disruptive. In summary, the available evidence is currently insufficient to determine the role of this variant in disease. Therefore, it has been classified as a Variant of Uncertain Significance.